The following is an entry in ClinVar:

ClinVar aggregate classification (germline): Likely pathogenic. Review status: criteria provided, single submitter (1 of 4 stars). 2 submissions from 2 submitters: Likely pathogenic (1). 1 of the submissions does not count toward it. Last evaluated 2024-01-30.

Conditions:
Trimethylaminuria (TMAU). Also called: FISH-ODOR SYNDROME; Primary Trimethylaminuria; Fish malodor syndrome; Stale fish syndrome; TMAuria. Identifiers: MedGen C0342739, MONDO:0011182, OMIM 602079, HP:0003614. Disease mechanism: loss of function.

Allele frequency attached by ClinVar (database versions not stated): TOPMed 0.00003; gnomAD exomes 0.00006 and 0.00013; ExAC 0.00007; gnomAD 0.00007.
gnomAD v4.1: 191 of 1,614,010 alleles (0.012%); highest among the groups gnomAD compares: South Asian, 0.032%; no homozygotes.

Submissions (2):

Labcorp Genetics (formerly Invitae), Labcorp
Classification: Likely pathogenic. Last evaluated: 2024-01-30. Review status: criteria provided, single submitter. Criteria: Invitae Variant Classification Sherloc (09022015). Collection method: clinical testing. Allele origin: germline.
Comment: This sequence change replaces methionine, which is neutral and non-polar, with isoleucine, which is neutral and non-polar, at codon 434 of the FMO3 protein (p.Met434Ile). This variant is present in population databases (rs72549332, gnomAD 0.03%). This missense change has been observed in individual(s) with trimethylaminuria (PMID: 8401051, 11191884). In at least one individual the data is consistent with being in trans (on the opposite chromosome) from a pathogenic variant. ClinVar contains an entry for this variant (Variation ID: 16314). Advanced modeling of protein sequence and biophysical properties (such as structural, functional, and spatial information, amino acid conservation, physicochemical variation, residue mobility, and thermodynamic stability) has been performed at Invitae for this missense variant, however the output from this modeling did not meet the statistical confidence thresholds required to predict the impact of this variant on FMO3 protein function. Experimental studies have shown that this missense change affects FMO3 function (PMID: 11191884). In summary, the currently available evidence indicates that the variant is pathogenic, but additional data are needed to prove that conclusively. Therefore, this variant has been classified as Likely Pathogenic.

OMIM
Classification: Pathogenic for TRIMETHYLAMINURIA. Last evaluated: 2000-12-01. Review status: no assertion criteria provided. Collection method: literature only. Allele origin: germline. Not counted in ClinVar's aggregate classification.

Literature cited by the submitters: PubMed 8401051 (cited by Labcorp Genetics (formerly Invitae), Labcorp); PubMed 11191884 (cited by Labcorp Genetics (formerly Invitae), Labcorp and OMIM).

NM_001002294.3(FMO3):c.1302G>A (p.Met434Ile)

Gene: FMO3 (flavin containing dimethylaniline monoxygenase 3; plus strand). Cytogenetic location: 1q24.3.
Variant type: single nucleotide variant.
Coding change: c.1302G>A on transcript NM_001002294.3 (MANE Select); coding-DNA position 1302, G replaced by A.
Protein change: p.Met434Ile; replaces methionine 434 with isoleucine.
Molecular consequence: missense variant.
Genome position (GRCh38, 1-based): chr1:171,117,145, G>A. VCF-style: chr1-171117145-G-A. GRCh37 (hg19) VCF-style: chr1-171086285-G-A.
Other names: c.1242G>A, p.Met414Ile (NM_001319173.2); c.1113G>A, p.Met371Ile (NM_001319174.2); c.1302G>A, p.Met434Ile (NM_006894.6); short protein forms M434I, M414I, M371I.
Identifiers: ClinVar variation 16314 (VCV000016314.8), dbSNP rs72549332, ClinGen allele CA257488.